The following is an entry in ClinVar:

NM_022464.5(SIL1):c.228G>T (p.Trp76Cys)

Gene: SIL1 (SIL1 nucleotide exchange factor; minus strand). Cytogenetic location: 5q31.2.
Variant type: single nucleotide variant.
Coding change: c.228G>T on transcript NM_022464.5 (MANE Select); coding-DNA position 228, G replaced by T.
Protein change: p.Trp76Cys; replaces tryptophan 76 with cysteine.
Molecular consequence: missense variant.
Genome position (GRCh38, 1-based): chr5:139,121,051, C>A on the plus strand (G>T on the coding strand, the complement: SIL1 is on the minus strand). VCF-style: chr5-139121051-C-A. GRCh37 (hg19) VCF-style: chr5-138456740-C-A.
Other names: c.228G>T, p.Trp76Cys (NM_001037633.2); short protein forms W76C.
Identifiers: ClinVar variation 5006843 (VCV005006843.2).

ClinVar aggregate classification (germline): Uncertain significance (1 of 4 stars; one submission).

Conditions:
Marinesco-Sjögren syndrome (MSS). Also called: Marinesco-Sjogren Syndrome; Marinesco-SjÃ¶gren syndrome. Identifiers: Orphanet 559, MedGen C0024814, MONDO:0009567, OMIM 248800.

Submission:

Juno Genomics, Hangzhou Juno Genomics, Inc
Classification: Uncertain significance for Marinesco-Sjögren syndrome. Review status: criteria provided, single submitter. Criteria: ACMG Guidelines, 2015. Collection method: clinical testing. Allele origin: germline.
Comment: Absent from controls (or at extremely low frequency if recessive) in Genome Aggregation Database.;Multiple lines of computational evidence support a deleterious effect on the gene or gene product.